The following is an entry in ClinVar:

ClinVar aggregate classification (germline): Pathogenic (1 of 4 stars; one submission).

Conditions:
Niemann-Pick disease, type C1. Also called: NEUROVISCERAL STORAGE DISEASE WITH VERTICAL SUPRANUCLEAR OPHTHALMOPLEGIA; NIEMANN-PICK DISEASE WITH CHOLESTEROL ESTERIFICATION BLOCK; NIEMANN-PICK DISEASE WITHOUT SPHINGOMYELINASE DEFICIENCY; NIEMANN-PICK DISEASE, CHRONIC NEURONOPATHIC FORM; NIEMANN-PICK DISEASE, VARIANT TYPE C1. Identifiers: Orphanet 646, MedGen C3179455, MONDO:0009757, OMIM 257220.

Submission:

Myriad Genetics, Inc.
Classification: Pathogenic for Niemann-Pick disease, type C1. Last evaluated: 2024-06-22. Review status: criteria provided, single submitter. Criteria: Myriad Autosomal Dominant, Autosomal Recessive and X-Linked Classification Criteria (2023). Collection method: clinical testing. Allele origin: unknown.
Comment: NM_000271.4(NPC1):c.438C>G(Y146*) is expected to be pathogenic in the context of Niemann-Pick disease type C1. This variant is predicted to lead to an abnormal or absent protein product due to the creation of a premature termination codon in NPC1, a gene where loss-of-function variants are known to be pathogenic. Please note: this variant was assessed in the context of healthy population screening.

NM_000271.5(NPC1):c.438C>G (p.Tyr146Ter)

Gene: NPC1 (NPC intracellular cholesterol transporter 1; minus strand). Cytogenetic location: 18q11.2.
Variant type: single nucleotide variant.
Coding change: c.438C>G on transcript NM_000271.5 (MANE Select); coding-DNA position 438, C replaced by G.
Protein change: p.Tyr146Ter; replaces tyrosine 146 with a stop codon.
Molecular consequence: nonsense.
Genome position (GRCh38, 1-based): chr18:23,568,848, G>C on the plus strand (C>G on the coding strand, the complement: NPC1 is on the minus strand). VCF-style: chr18-23568848-G-C. GRCh37 (hg19) VCF-style: chr18-21148812-G-C.
Other names: short protein forms Y146*.
Identifiers: ClinVar variation 5013220 (VCV005013220.1).
Genomic context (GRCh38, chr18:23,568,848, plus strand): 5'-AGCTGTAAAAGAGGAATAATTAAAAGTTTACTTACCATTGGCAAAACTCTGTCCGACGTA[G>C]TATTGTAACTCTTTCACATTTGTTTTCGTCTGGTTTGTAACAGGATCAACATAATCTTCA-3'